The following is an entry in ClinVar:

NM_004787.4(SLIT2):c.4220A>G (p.Asp1407Gly)

Gene: SLIT2 (slit guidance ligand 2; plus strand). Cytogenetic location: 4p15.31.
Variant type: single nucleotide variant.
Coding change: c.4220A>G on transcript NM_004787.4 (MANE Select); coding-DNA position 4220, A replaced by G.
Protein change: p.Asp1407Gly; replaces aspartic acid 1407 with glycine.
Molecular consequence: missense variant.
Genome position (GRCh38, 1-based): chr4:20,617,522, A>G. VCF-style: chr4-20617522-A-G. GRCh37 (hg19) VCF-style: chr4-20619145-A-G.
Other names: c.4208A>G, p.Asp1403Gly (NM_001289135.3); c.4196A>G, p.Asp1399Gly (NM_001289136.3); short protein forms D1407G, D1399G, D1403G.
Identifiers: ClinVar variation 208715 (VCV000208715.4), dbSNP rs797044905, ClinGen allele CA204747.

ClinVar aggregate classification (germline): Uncertain significance (1 of 4 stars; one submission).

Conditions:
Inborn genetic diseases. Identifiers: MedGen C0950123, MeSH D030342.

Submission:

Ambry Genetics
Classification: Uncertain significance for Inborn genetic diseases. Last evaluated: 2013-11-12. Review status: criteria provided, single submitter. Criteria: Ambry Autosomal Dominant and X-Linked criteria (10/2015). Collection method: clinical testing. Allele origin: germline. Observed: 1 variant allele.
Comment: There is insufficient or conflicting evidence for classification of this alteration.